The following continues an entry in ClinVar:

NM_007055.4(POLR3A):c.1771-7C>G

Gene: POLR3A. ClinVar aggregate classification (germline): Pathogenic/Likely pathogenic. Pathogenic (25); Likely pathogenic (4).

Submissions 14 to 31 of 31:

Laboratorio de Genetica e Diagnostico Molecular, Hospital Israelita Albert Einstein
Classification: Pathogenic for Leukodystrophy, hypomyelinating, 7, with or without oligodontia and/or hypogonadotropic hypogonadism. Last evaluated: 2022-12-23. Review status: criteria provided, single submitter. Criteria: ACMG Guidelines, 2015. Collection method: clinical testing. Allele origin: germline. Affected: yes. Observed: 1 variant allele.
Comment: ACMG classification criteria: PS3 supporting, PM3 very strong, PP1 supporting

PreventionGenetics, part of Exact Sciences
Classification: Likely pathogenic for POLR3A-related condition. Last evaluated: 2022-08-29. Review status: criteria provided, single submitter. Criteria: ACMG Guidelines, 2015. Collection method: clinical testing. Allele origin: germline.
Comment: The POLR3A c.1771-7C>G variant is predicted to interfere with splicing. The variant is predicted to weaken the acceptor splice site based on available prediction programs (Alamut Visual v2.10). This variant has been reported in the homozygous state in multiple unrelated individuals with spastic ataxia (Minnerop et al. 2017. PubMed ID: 28459997). This variant has also been observed in the compound heterozygous state in multiple unrelated individuals with POLR3A-related leukodystrophy and movement disorder (Harting et al. 2020. PubMed ID: 31940116; Perrier et al. 2020. PubMed ID: 32582862). Analysis of cDNA derived from affected individuals who were homozygous for the c.1771-7C>G variant showed the presence of both wild-type transcript and two abnormal transcripts, either lacking exon 14 or lacking both exons 13 and 14 (Minnerop et al. 2017. PubMed ID: 28459997). This variant is reported in 0.017% of alleles in individuals of Latino descent in gnomAD. This variant is interpreted as likely pathogenic.

GeneDx
Classification: Pathogenic. Last evaluated: 2022-05-03. Review status: criteria provided, single submitter. Criteria: GeneDx Variant Classification Process June 2021. Collection method: clinical testing. Allele origin: germline. Affected: yes.
Comment: In silico analysis suggests this variant may impact gene splicing. In the absence of additional RNA/functional studies, the actual effect of this sequence change is unknown.; This variant is associated with the following publications: (PMID: 28459997, 31940116, 32582862, 33559318, 33597727, 32860008, 32214227, 33098801, 34440436, 34284285, 33726816)

Women's Health and Genetics/Laboratory Corporation of America, LabCorp
Classification: Pathogenic for POLR-related leukodystrophy. Last evaluated: 2022-03-22. Review status: criteria provided, single submitter. Criteria: LabCorp Variant Classification Summary - May 2015. Collection method: clinical testing. Allele origin: germline.
Comment: Variant summary: POLR3A c.1771-7C>G alters a non-conserved nucleotide located close to a canonical splice site and therefore could affect mRNA splicing, leading to a significantly altered protein sequence. 4/4 computational tools predict no significant impact on normal splicing. At least one publication reports experimental evidence that this variant affects mRNA splicing. The variant allele was found at a frequency of 0.00011 in 251416 control chromosomes. This frequency is not significantly higher than expected for a pathogenic variant in POLR3A causing Pol III-Related Leukodystrophy (0.00011 vs ND), allowing no conclusion about variant significance. c.1771-7C>G has been reported in the literature in multiple individuals affected with Pol III-Related Leukodystrophy. These data indicate that the variant is very likely to be associated with disease. Nine clinical diagnostic laboratories have submitted clinical-significance assessments for this variant to ClinVar after 2014 without evidence for independent evaluation (pathogenic/likely pathogenic n=8, VUS n=1). Based on the evidence outlined above, the variant was classified as pathogenic.

Baylor Genetics
Classification: Pathogenic for Neonatal pseudo-hydrocephalic progeroid syndrome. Last evaluated: 2022-01-20. Review status: criteria provided, single submitter. Criteria: ACMG Guidelines, 2015. Collection method: clinical testing. Allele origin: unknown.

Centre for Inherited Metabolic Diseases, Karolinska University Hospital
Classification: Pathogenic for Leukodystrophy, hypomyelinating, 7, with or without oligodontia and/or hypogonadotropic hypogonadism. Last evaluated: 2021-04-12. Review status: criteria provided, single submitter. Criteria: ACMG Guidelines, 2015. Collection method: clinical testing. Allele origin: germline. Inheritance: Autosomal recessive inheritance. Affected: yes. Observed: 1 compound heterozygote.

Institute of Medical Genetics and Applied Genomics, University Hospital Tübingen
Classification: Pathogenic. Last evaluated: 2020-10-23. Review status: criteria provided, single submitter. Criteria: ACMG Guidelines, 2015. Collection method: clinical testing. Allele origin: germline. Inheritance: Autosomal recessive inheritance. Affected: yes.

Undiagnosed Diseases Network, NIH
Classification: Pathogenic for Leukodystrophy, hypomyelinating, 7, with or without oligodontia and/or hypogonadotropic hypogonadism. Last evaluated: 2020-07-07. Review status: criteria provided, single submitter. Criteria: ACMG Guidelines, 2015. Collection method: clinical testing. Allele origin: maternal. Inheritance: Autosomal recessive inheritance. Affected: yes. Observed: 1 variant allele, 1 compound heterozygote.

Cambridge Genomics Laboratory, East Genomic Laboratory Hub, NHS Genomic Medicine Service
Classification: Likely pathogenic for Intellectual disability. Last evaluated: 2019-06-04. Review status: criteria provided, single submitter. Criteria: ACGS Best Practice Guidelines for Variant Classification in Rare Disease 2020. Collection method: clinical testing. Allele origin: germline. Affected: yes. Observed: 1 variant allele.

Kasturba Medical College, Manipal, Kasturba Medical College, Manipal, Manipal Academy of Higher Education, Manipal, India
Classification: Likely pathogenic for Neonatal pseudo-hydrocephalic progeroid syndrome. Last evaluated: 2019-05-12. Review status: criteria provided, single submitter. Criteria: ACMG Guidelines, 2015. Collection method: clinical testing. Allele origin: inherited. Inheritance: Autosomal recessive inheritance. Affected: yes. Observed: 2 variant alleles.

Institute of Human Genetics Munich, TUM University Hospital
Classification: Pathogenic for Leukodystrophy, hypomyelinating, 7, with or without oligodontia and/or hypogonadotropic hypogonadism. Last evaluated: 2018-11-05. Review status: criteria provided, single submitter. Criteria: Classification criteria August 2017. Collection method: clinical testing. Allele origin: inherited, paternal, germline. Inheritance: Autosomal recessive inheritance. Affected: yes. Observed: 3 compound heterozygotes, 1 homozygote.

CENTOGENE GmbH and LLC - Guiding Precision Medicine
Classification: Pathogenic for Leukodystrophy, hypomyelinating, 7, with or without oligodontia and/or hypogonadotropic hypogonadism. Review status: criteria provided, single submitter. Criteria: ACMG Guidelines, 2015. Collection method: clinical testing. Allele origin: germline. Affected: yes.

Department of Biochemistry, Faculty of Medicine, University of Khartoum
Classification: Pathogenic for Leukodystrophy, hypomyelinating, 7, with or without oligodontia and/or hypogonadotropic hypogonadism. Review status: criteria provided, single submitter. Criteria: ACMG Guidelines, 2015. Collection method: research. Allele origin: unknown. Affected: yes. Observed: 1 variant allele.

Juno Genomics, Hangzhou Juno Genomics, Inc
Classification: Pathogenic for Leukodystrophy, hypomyelinating, 7, with or without oligodontia and/or hypogonadotropic hypogonadism; Neonatal pseudo-hydrocephalic progeroid syndrome. Review status: criteria provided, single submitter. Criteria: ACMG Guidelines, 2015. Collection method: clinical testing. Allele origin: germline.
Comment: Absent from controls (or at extremely low frequency if recessive) in Genome Aggregation Database.;For recessive disorders, detected in trans with a pathogenic variant.;Patient's phenotype or family history is highly specific for a disease with a single genetic etiology.;Co-segregation with disease in multiple affected family members.;Null variant in a gene where loss of function (LOF) is a known mechanism of disease.

MyeliNeuroGene Lab, McGill University Health Center Research Institute
Classification: Pathogenic for LEUKODYSTROPHY, HYPOMYELINATING, 7, WITH OR WITHOUT OLIGODONTIA AND/OR HYPOGONADOTROPIC HYPOGONADISM; HLD7. Review status: criteria provided, single submitter. Criteria: ACMG Guidelines, 2015. Collection method: research. Allele origin: inherited. Inheritance: Autosomal recessive inheritance. Affected: no. Observed: 6 variant alleles, 6 compound heterozygotes.

Neuberg Centre For Genomic Medicine, NCGM
Classification: Pathogenic for Neonatal pseudo-hydrocephalic progeroid syndrome. Review status: criteria provided, single submitter. Criteria: ACMG Guidelines, 2015. Collection method: clinical testing. Allele origin: germline. Inheritance: Autosomal dominant inheritance. Affected: yes.

Section for Clinical Neurogenetics, University of Tübingen
Classification: Pathogenic for Leukodystrophy, hypomyelinating, 7, with or without oligodontia and/or hypogonadotropic hypogonadism. Last evaluated: 2019-08-01. Review status: no assertion criteria provided. Collection method: research. Allele origin: germline. Affected: yes. Not counted in ClinVar's aggregate classification.

Pathology and Clinical Laboratory Medicine, King Fahad Medical City
Classification: Uncertain significance for Leukodystrophy, hypomyelinating, 7, with or without oligodontia and/or hypogonadotropic hypogonadism. Review status: flagged submission. Criteria: ACMG Guidelines, 2015. Collection method: clinical testing. Allele origin: germline. Affected: yes. Not counted in ClinVar's aggregate classification.
ClinVar note: Reason: Outlier claim with insufficient supporting evidence

Literature cited by the submitters: PubMed 27506977 (cited by Ambry Genetics and 3billion); PubMed 28459997 (cited by 5 submitters); PubMed 31940116 (cited by 3 submitters); PubMed 32582862 (cited by 3 submitters); PubMed 38550343 (cited by Ambry Genetics); PubMed 32214227 (cited by Labcorp Genetics (formerly Invitae), Labcorp and Section for Clinical Neurogenetics, University of Tübingen); PubMed 32860008 (cited by CENTOGENE GmbH and LLC - Guiding Precision Medicine); PubMed 614258 (cited by MyeliNeuroGene Lab, McGill University Health Center Research Institute).